The following is an entry in ClinVar:

NM_001961.4(EEF2):c.811G>A (p.Gly271Ser)

Gene: EEF2 (eukaryotic translation elongation factor 2; minus strand). Cytogenetic location: 19p13.3.
Variant type: single nucleotide variant.
Coding change: c.811G>A on transcript NM_001961.4 (MANE Select); coding-DNA position 811, G replaced by A.
Protein change: p.Gly271Ser; replaces glycine 271 with serine.
Molecular consequence: missense variant.
Genome position (GRCh38, 1-based): chr19:3,982,033, C>T on the plus strand (G>A on the coding strand, the complement: EEF2 is on the minus strand). VCF-style: chr19-3982033-C-T. GRCh37 (hg19) VCF-style: chr19-3982031-C-T.
Other names: short protein forms G271S.
Identifiers: ClinVar variation 447308 (VCV000447308.32), dbSNP rs200480185, ClinGen allele CA9089161.
Genomic context (GRCh38, chr19:3,982,033, plus strand): 5'-GGCAGAAGGTGCGTGGCAGCTTCTTCCCTTCGGGGCTGGTGGCTGACTTGCTGAACTTGC[C>T]GTTGGCTGGGTCAAAGTACCTGGCAAGGAGAGGCCAAGCCAAATCAAGTTAGGGTCTCCA-3'
Protein context (NP_001952.1, residues 261-281): WGDRYFDPAN[Gly271Ser]KFSKSATSPE

ClinVar aggregate classification (germline): Conflicting classifications of pathogenicity. Review status: criteria provided, conflicting classifications (1 of 4 stars). 5 submissions from 5 submitters: Uncertain significance (4); Likely benign (1). Last evaluated 2025-10-06.

Allele frequency attached by ClinVar (database versions not stated): ExAC 0.00008; gnomAD exomes 0.00008; gnomAD 0.00010 and 0.00011; TOPMed 0.00010; ESP Exome Variant Server 0.00015.
gnomAD v4.1: 293 of 1,614,006 alleles (0.018%); highest among the groups gnomAD compares: Non-Finnish European, 0.024%; 1 homozygote.

Submissions (5):

Labcorp Genetics (formerly Invitae), Labcorp
Classification: Uncertain significance. Last evaluated: 2025-10-06. Review status: criteria provided, single submitter. Criteria: Invitae Variant Classification Sherloc (09022015). Collection method: clinical testing. Allele origin: germline.
Comment: This sequence change replaces glycine, which is neutral and non-polar, with serine, which is neutral and polar, at codon 271 of the EEF2 protein (p.Gly271Ser). This variant is present in population databases (rs200480185, gnomAD 0.02%). This variant has not been reported in the literature in individuals affected with EEF2-related conditions. ClinVar contains an entry for this variant (Variation ID: 447308). Invitae Evidence Modeling of protein sequence and biophysical properties (such as structural, functional, and spatial information, amino acid conservation, physicochemical variation, residue mobility, and thermodynamic stability) indicates that this missense variant is not expected to disrupt EEF2 protein function with a negative predictive value of 80%. In summary, the available evidence is currently insufficient to determine the role of this variant in disease. Therefore, it has been classified as a Variant of Uncertain Significance.

Ambry Genetics
Classification: Uncertain significance. Last evaluated: 2025-08-30. Review status: criteria provided, single submitter. Criteria: Ambry Variant Classification Scheme 2023. Collection method: clinical testing. Allele origin: germline.

Women's Health and Genetics/Laboratory Corporation of America, LabCorp
Classification: Uncertain significance. Last evaluated: 2024-11-13. Review status: criteria provided, single submitter. Criteria: LabCorp Variant Classification Summary - May 2015. Collection method: clinical testing. Allele origin: germline.
Comment: Variant summary: EEF2 c.811G>A (p.Gly271Ser) results in a non-conservative amino acid change located in the Translational (tr)-type GTP-binding domain (IPR000795) of the encoded protein sequence. Three of five in-silico tools predict a benign effect of the variant on protein function. The variant allele was found at a frequency of 8.4e-05 in 251192 control chromosomes. This frequency is not significantly higher than estimated for a pathogenic variant in EEF2 causing Spinocerebellar Ataxia Type 26, allowing no conclusion about variant significance. To our knowledge, no occurrence of c.811G>A in individuals affected with Spinocerebellar Ataxia Type 26 and no experimental evidence demonstrating its impact on protein function have been reported. ClinVar contains an entry for this variant (Variation ID: 447308). Based on the evidence outlined above, the variant was classified as uncertain significance.

CeGaT Center for Human Genetics Tuebingen
Classification: Uncertain significance. Last evaluated: 2022-10-01. Review status: criteria provided, single submitter. Criteria: CeGaT Center For Human Genetics Tuebingen Variant Classification Criteria Version 2. Collection method: clinical testing. Allele origin: germline. Affected: yes. Observed: 1 variant allele.
Comment: EEF2: PP2

Athena Diagnostics
Classification: Likely benign. Last evaluated: 2017-04-25. Review status: criteria provided, single submitter. Criteria: Athena Diagnostics Criteria. Collection method: clinical testing. Allele origin: germline.